The following is an entry in ClinVar:

NM_000038.6(APC):c.3891_3894del (p.Asp1297fs)

Gene: APC (APC regulator of Wnt signaling pathway; plus strand). Cytogenetic location: 5q22.2.
Variant type: Deletion.
Coding change: c.3891_3894del on transcript NM_000038.6 (MANE Select); coding-DNA positions 3891 to 3894, 4 bases deleted (TTCT; older notation c.3891_3894delTTCT).
Protein change: p.Asp1297fs; shifts the reading frame from aspartic acid 1297.
Molecular consequence: frameshift variant. On other transcripts: non-coding transcript variant (2).
Genome position (GRCh38, 1-based): chr5:112,839,485-112,839,488, TTCT deleted. VCF-style (leftmost placement, unchanged base first): chr5-112839484-ATTCT-A. GRCh37 (hg19) VCF-style: chr5-112175181-ATTCT-A.
Other names: c.3588_3591del, p.Asp1196fs (NM_001354903.2, NM_001407458.1, NM_001407459.1 and 1 more transcripts); c.3513_3516del, p.Asp1171fs (NM_001354904.2); c.3411_3414del, p.Asp1137fs (NM_001354905.2); c.3042_3045del, p.Asp1014fs (NM_001354906.2, NM_001407470.1); c.3975_3978del, p.Asp1325fs (NM_001407446.1); c.3945_3948del, p.Asp1315fs (NM_001407447.1, NM_001407448.1, NM_001407449.1 and 1 more transcripts); c.3891_3894del, p.Asp1297fs (NM_001407450.1, NM_001127510.3, NM_001354895.2); c.3870_3873del, p.Asp1290fs (NM_001407451.1); and 11 more; short protein forms D1014fs, D1137fs, D1168fs, D1171fs, D1196fs, D1206fs, D1214fs, D1238fs.
Identifiers: ClinVar variation 4530192 (VCV004530192.1).

ClinVar aggregate classification (somatic clinical impact): Tier II - Potential (1 of 4 stars; one submission).

Conditions:
Synovial sarcoma. Identifiers: Orphanet 3273, MedGen C0039101, MONDO:0010434, OMIM 300813, HP:0012570.

Submission:

Institute for Genomic Medicine (IGM) Clinical Laboratory, Nationwide Children's Hospital
Classification: Tier II - Potential for Synovial sarcoma. Assertion type: diagnostic. Clinical significance: supports diagnosis. Last evaluated: 2025-05-07. Review status: criteria provided, single submitter. Criteria: AMP/ASCO/CAP Guidelines, 2017. Collection method: clinical testing. Allele origin: somatic. Affected: yes.
Comment: Variant has Tier II (potential) clinical significance as a diagnostic inclusion criterion in synovial sarcoma, based on the following evidence: 1) Diagnostic significance based on multiple small studies (Evidence Level C).